The following is an entry in ClinVar:

NM_001110556.2(FLNA):c.6904C>T (p.Pro2302Ser)

Gene: FLNA (filamin A; minus strand). Cytogenetic location: Xq28.
Variant type: single nucleotide variant.
Coding change: c.6904C>T on transcript NM_001110556.2 (MANE Select); coding-DNA position 6904, C replaced by T.
Protein change: p.Pro2302Ser; replaces proline 2302 with serine.
Molecular consequence: missense variant.
Genome position (GRCh38, 1-based): chrX:154,351,887, G>A on the plus strand (C>T on the coding strand, the complement: FLNA is on the minus strand). VCF-style: chrX-154351887-G-A. GRCh37 (hg19) VCF-style: chrX-153580255-G-A.
Other names: c.6880C>T, p.Pro2294Ser (NM_001456.4); c.6880C>T (NM_001456.3); short protein forms P2294S, P2302S.
Identifiers: ClinVar variation 983103 (VCV000983103.3), dbSNP rs201008265, ClinGen allele CA337274290.

ClinVar aggregate classification (germline): Uncertain significance. Review status: criteria provided, multiple submitters, no conflicts (2 of 4 stars). 3 submissions from 3 submitters: Uncertain significance (3). Last evaluated 2022-10-05.

Conditions:
Melnick-Needles syndrome (MNS). Also called: Melnick-Needles Syndrome (FLNA-MNS); MELNICK-NEEDLES OSTEODYSPLASTY; OSTEODYSPLASTY OF MELNICK AND NEEDLES. Identifiers: Orphanet 2484, MedGen C0025237, MONDO:0010650, OMIM 309350.

Allele frequency attached by ClinVar (database versions not stated): gnomAD exomes below 0.00001.
gnomAD v4.1: 1 of 1,211,318 alleles (0.000083%); highest among the groups gnomAD compares: Non-Finnish European, 0.00011%; no homozygotes.

Submissions (3):

GeneDx
Classification: Uncertain significance. Last evaluated: 2022-10-05. Review status: criteria provided, single submitter. Criteria: GeneDx Variant Classification Process June 2021. Collection method: clinical testing. Allele origin: germline. Affected: yes.
Comment: Not observed at significant frequency in large population cohorts (gnomAD); In silico analysis supports that this missense variant has a deleterious effect on protein structure/function; Has not been previously published as pathogenic or benign to our knowledge

New York Genome Center
Classification: Uncertain significance. Last evaluated: 2020-11-20. Review status: criteria provided, single submitter. Criteria: NYGC Assertion Criteria 2020. Collection method: clinical testing. Allele origin: inherited. Observed: 1 heterozygote. Study: CSER-NYCKidSeq.

Institute of Human Genetics, University of Leipzig Medical Center
Classification: Uncertain significance for Melnick-Needles syndrome. Last evaluated: 2019-01-01. Review status: criteria provided, single submitter. Criteria: ACMG Guidelines, 2015. Collection method: clinical testing. Allele origin: unknown. Affected: yes.